The following is an entry in ClinVar:

ClinVar aggregate classification (germline): Conflicting classifications of pathogenicity. Review status: criteria provided, conflicting classifications (1 of 4 stars). 4 submissions from 4 submitters: Uncertain significance (3); Likely benign (1). Last evaluated 2024-08-28.

Conditions:
Hereditary cancer-predisposing syndrome. Also called: Neoplastic Syndromes, Hereditary; Tumor predisposition; Hereditary Cancer Syndrome; Hereditary neoplastic syndrome. Identifiers: Orphanet 140162, MedGen C0027672, MeSH D009386, MONDO:0015356.
Ataxia-telangiectasia-like disorder 1 (ATLD1). Identifiers: Orphanet 251347, MedGen C4012790, MONDO:0024557, OMIM 604391.
Ataxia-telangiectasia-like disorder (ATLD). Identifiers: MedGen C1858391, MONDO:0011457.

Allele frequency attached by ClinVar (database versions not stated): gnomAD 0.00002; TOPMed 0.00002; gnomAD exomes 0.00001; ExAC 0.00002; ESP Exome Variant Server 0.00008.
gnomAD v4.1: 23 of 1,581,468 alleles (0.0015%); highest among the groups gnomAD compares: Middle Eastern, 0.033%; no homozygotes.

Submissions (4):

Ambry Genetics
Classification: Likely benign for Hereditary cancer-predisposing syndrome. Last evaluated: 2024-08-28. Review status: criteria provided, single submitter. Criteria: Ambry Variant Classification Scheme 2023. Collection method: clinical testing. Allele origin: germline.

Labcorp Genetics (formerly Invitae), Labcorp
Classification: Uncertain significance for Ataxia-telangiectasia-like disorder. Last evaluated: 2022-10-23. Review status: criteria provided, single submitter. Criteria: Invitae Variant Classification Sherloc (09022015). Collection method: clinical testing. Allele origin: germline.
Comment: This sequence change replaces threonine, which is neutral and polar, with serine, which is neutral and polar, at codon 700 of the MRE11 protein (p.Thr700Ser). This variant is present in population databases (rs374685908, gnomAD 0.003%). This variant has not been reported in the literature in individuals affected with MRE11-related conditions. ClinVar contains an entry for this variant (Variation ID: 230741). Algorithms developed to predict the effect of missense changes on protein structure and function output the following: SIFT: "Tolerated"; PolyPhen-2: "Benign"; Align-GVGD: "Class C0". The serine amino acid residue is found in multiple mammalian species, which suggests that this missense change does not adversely affect protein function. In summary, the available evidence is currently insufficient to determine the role of this variant in disease. Therefore, it has been classified as a Variant of Uncertain Significance.

Fulgent Genetics
Classification: Uncertain significance for Ataxia-telangiectasia-like disorder 1. Last evaluated: 2018-10-31. Review status: criteria provided, single submitter. Criteria: ACMG Guidelines, 2015. Collection method: clinical testing. Allele origin: unknown.

Illumina Laboratory Services, Illumina
Classification: Uncertain significance for Ataxia-telangiectasia-like disorder 1. Last evaluated: 2018-01-13. Review status: criteria provided, single submitter. Criteria: ICSL Variant Classification Criteria 13 December 2019. Collection method: clinical testing. Allele origin: germline.

Literature cited by the submitters: PubMed 33471991 (cited by Ambry Genetics).

NM_005591.4(MRE11):c.2099C>G (p.Thr700Ser)

Gene: MRE11 (MRE11 double strand break repair nuclease; minus strand). Cytogenetic location: 11q21.
Variant type: single nucleotide variant.
Coding change: c.2099C>G on transcript NM_005591.4 (MANE Select); coding-DNA position 2099, C replaced by G.
Protein change: p.Thr700Ser; replaces threonine 700 with serine.
Molecular consequence: missense variant.
Genome position (GRCh38, 1-based): chr11:94,420,153, G>C on the plus strand (C>G on the coding strand, the complement: MRE11 is on the minus strand). VCF-style: chr11-94420153-G-C. GRCh37 (hg19) VCF-style: chr11-94153319-G-C.
Other names: c.2096C>G, p.Thr699Ser (NM_001330347.2); c.2015C>G, p.Thr672Ser (NM_005590.4); short protein forms T700S, T672S, T699S.
Identifiers: ClinVar variation 230741 (VCV000230741.15), dbSNP rs374685908, ClinGen allele CA6234894.